The following is an entry in ClinVar:

NM_003611.3(OFD1):c.1221+1_1221+2del

Gene: OFD1 (OFD1 centriole and centriolar satellite protein; plus strand). Cytogenetic location: Xp22.2.
Variant type: Deletion.
Coding change: c.1221+1_1221+2del on transcript NM_003611.3 (MANE Select); the canonical splice donor site of the intron after coding-DNA position 1221, 2 bases deleted (GT; older notation c.1221+1_1221+2delGT).
Molecular consequence: splice donor variant.
Genome position (GRCh38, 1-based): chrX:13,755,243-13,755,244, GT deleted. VCF-style (leftmost placement, unchanged base first): chrX-13755242-GGT-G. GRCh37 (hg19) VCF-style: chrX-13773361-GGT-G.
Other names: c.801+1_801+2del (NM_001330210.2); c.1101+1_1101+2del (NM_001330209.2).
Identifiers: ClinVar variation 429830 (VCV000429830.2), dbSNP rs1131691619, ClinGen allele CA645369747.
Genomic context (GRCh38, chrX:13,755,242, plus strand): 5'-AGCTATTAATTCAAAAAAGGAGGAACTCAATCAATCTGTAAATCGTGTGAAAGAACTTGA[GGT>G]AATTGTTAAGCATGTTGGTTTTTGAAATAGATTTTAAGCAATATATGAAATTTTAGTCAT-3'

ClinVar aggregate classification (germline): Pathogenic (1 of 4 stars; one submission).

Submission:

GeneDx
Classification: Pathogenic. Last evaluated: 2015-09-14. Review status: criteria provided, single submitter. Criteria: GeneDx Variant Classification (06012015). Collection method: clinical testing. Allele origin: germline. Affected: yes.
Comment: The c.1221+1_1221+2delGT splice site variant in the OFD1 gene destroys the canonical splice donor site in intron 12. It is predicted to cause abnormal gene splicing, either leading to an abnormal message that is subject to nonsense-mediated mRNA decay, or to an abnormal protein product if the message is used for protein translation. Although this variant has not been previously reported to our knowledge, we interpret it as pathogenic.